The following is an entry in ClinVar:

ClinVar aggregate classification (germline): Uncertain significance (1 of 4 stars; one submission).

Conditions:
Short-rib thoracic dysplasia 14 with polydactyly (SRTD14). Identifiers: Orphanet 397715, MedGen C4225286, MONDO:0014688, OMIM 616546.
Joubert syndrome 23 (JBTS23). Identifiers: Orphanet 475, MedGen C4084822, MONDO:0014664, OMIM 616490.

Allele frequency attached by ClinVar (database versions not stated): TOPMed below 0.00001; gnomAD 0.00001.

Submission:

Labcorp Genetics (formerly Invitae), Labcorp
Classification: Uncertain significance for Joubert syndrome 23; Short-rib thoracic dysplasia 14 with polydactyly. Last evaluated: 2022-06-14. Review status: criteria provided, single submitter. Criteria: Invitae Variant Classification Sherloc (09022015). Collection method: clinical testing. Allele origin: germline.
Comment: In summary, the available evidence is currently insufficient to determine the role of this variant in disease. Therefore, it has been classified as a Variant of Uncertain Significance. Algorithms developed to predict the effect of missense changes on protein structure and function output the following: SIFT: "Tolerated"; PolyPhen-2: "Benign"; Align-GVGD: "Class C0". The leucine amino acid residue is found in multiple mammalian species, which suggests that this missense change does not adversely affect protein function. This variant has not been reported in the literature in individuals affected with KIAA0586-related conditions. This variant is not present in population databases (gnomAD no frequency). This sequence change replaces valine, which is neutral and non-polar, with leucine, which is neutral and non-polar, at codon 1196 of the KIAA0586 protein (p.Val1196Leu).

NM_001329943.3(KIAA0586):c.3427G>T (p.Val1143Leu)

Gene: KIAA0586 (KIAA0586; plus strand). Cytogenetic location: 14q23.1.
Variant type: single nucleotide variant.
Coding change: c.3427G>T on transcript NM_001329943.3 (MANE Select); coding-DNA position 3427, G replaced by T.
Protein change: p.Val1143Leu; replaces valine 1143 with leucine.
Molecular consequence: missense variant.
Genome position (GRCh38, 1-based): chr14:58,488,009, G>T. VCF-style: chr14-58488009-G-T. GRCh37 (hg19) VCF-style: chr14-58954727-G-T.
Other names: c.3586G>T, p.Val1196Leu (NM_001244189.2); c.3382G>T, p.Val1128Leu (NM_001244190.2); c.3172G>T, p.Val1058Leu (NM_001244191.2, NM_001329945.2, NM_001364700.1 and 1 more transcripts); c.3295G>T, p.Val1099Leu (NM_001244192.2); c.3007G>T, p.Val1003Leu (NM_001244193.2); c.3427G>T, p.Val1143Leu (NM_001329944.2, NM_001329946.2, NM_001329947.2); c.3199G>T, p.Val1067Leu (NM_014749.5); short protein forms V1143L, V1067L, V1196L, V1099L, V1128L, V1003L, V1058L.
Identifiers: ClinVar variation 2006245 (VCV002006245.4), dbSNP rs968308137, ClinGen allele CA261647752.